The following is an entry in ClinVar:

ClinVar aggregate classification (germline): Uncertain significance (1 of 4 stars; one submission).

Conditions:
Noonan syndrome 9 (NS9). Identifiers: Orphanet 648, MedGen C4225282, MONDO:0014691, OMIM 616559.

Submission:

Labcorp Genetics (formerly Invitae), Labcorp
Classification: Uncertain significance for Noonan syndrome 9. Last evaluated: 2025-09-21. Review status: criteria provided, single submitter. Criteria: Invitae Variant Classification Sherloc (09022015). Collection method: clinical testing. Allele origin: germline.
Comment: This sequence change replaces aspartic acid, which is acidic and polar, with asparagine, which is neutral and polar, at codon 174 of the SOS2 protein (p.Asp174Asn). This variant is not present in population databases (gnomAD no frequency). This variant has not been reported in the literature in individuals affected with SOS2-related conditions. Invitae Evidence Modeling of protein sequence and biophysical properties (such as structural, functional, and spatial information, amino acid conservation, physicochemical variation, residue mobility, and thermodynamic stability) indicates that this missense variant is not expected to disrupt SOS2 protein function with a negative predictive value of 95%. In summary, the available evidence is currently insufficient to determine the role of this variant in disease. Therefore, it has been classified as a Variant of Uncertain Significance.

NM_006939.4(SOS2):c.520G>A (p.Asp174Asn)

Gene: SOS2 (SOS Ras/Rho guanine nucleotide exchange factor 2; minus strand). Cytogenetic location: 14q21.3.
Variant type: single nucleotide variant.
Coding change: c.520G>A on transcript NM_006939.4 (MANE Select); coding-DNA position 520, G replaced by A.
Protein change: p.Asp174Asn; replaces aspartic acid 174 with asparagine.
Molecular consequence: missense variant.
Genome position (GRCh38, 1-based): chr14:50,188,691, C>T on the plus strand (G>A on the coding strand, the complement: SOS2 is on the minus strand). VCF-style: chr14-50188691-C-T. GRCh37 (hg19) VCF-style: chr14-50655409-C-T.
Other names: c.520G>A, p.Asp174Asn (NM_001411020.1); short protein forms D174N.
Identifiers: ClinVar variation 4775426 (VCV004775426.1).